The following is an entry in ClinVar:

ClinVar aggregate classification (germline): Uncertain significance. Review status: criteria provided, multiple submitters, no conflicts (2 of 4 stars). 2 submissions from 2 submitters: Uncertain significance (2). Last evaluated 2024-12-07.

gnomAD v4.1: 3 of 1,537,126 alleles (0.0002%); highest among the groups gnomAD compares: Non-Finnish European, 0.00017%; no homozygotes.

Submissions (2):

Labcorp Genetics (formerly Invitae), Labcorp
Classification: Uncertain significance. Last evaluated: 2024-12-07. Review status: criteria provided, single submitter. Criteria: Invitae Variant Classification Sherloc (09022015). Collection method: clinical testing. Allele origin: germline.
Comment: This sequence change replaces isoleucine, which is neutral and non-polar, with leucine, which is neutral and non-polar, at codon 1339 of the PIEZO2 protein (p.Ile1339Leu). This variant is not present in population databases (gnomAD no frequency). This variant has not been reported in the literature in individuals affected with PIEZO2-related conditions. Invitae Evidence Modeling of protein sequence and biophysical properties (such as structural, functional, and spatial information, amino acid conservation, physicochemical variation, residue mobility, and thermodynamic stability) has been performed for this missense variant. However, the output from this modeling did not meet the statistical confidence thresholds required to predict the impact of this variant on PIEZO2 protein function. In summary, the available evidence is currently insufficient to determine the role of this variant in disease. Therefore, it has been classified as a Variant of Uncertain Significance.

Blueprint Genetics
Classification: Uncertain significance. Last evaluated: 2024-02-01. Review status: criteria provided, single submitter. Criteria: ACMG Guidelines, 2015. Collection method: clinical testing. Allele origin: germline.

NM_001378183.1(PIEZO2):c.4090A>C (p.Ile1364Leu)

Gene: PIEZO2 (piezo type mechanosensitive ion channel component 2; minus strand). Cytogenetic location: 18p11.22.
Variant type: single nucleotide variant.
Coding change: c.4090A>C on transcript NM_001378183.1 (MANE Select); coding-DNA position 4090, A replaced by C.
Protein change: p.Ile1364Leu; replaces isoleucine 1364 with leucine.
Molecular consequence: missense variant.
Genome position (GRCh38, 1-based): chr18:10,752,713, T>G on the plus strand (A>C on the coding strand, the complement: PIEZO2 is on the minus strand). VCF-style: chr18-10752713-T-G. GRCh37 (hg19) VCF-style: chr18-10752711-T-G.
Other names: c.4090A>C, p.Ile1364Leu (NM_001410871.1); c.4015A>C, p.Ile1339Leu (NM_022068.4); short protein forms I1339L, I1364L.
Identifiers: ClinVar variation 3687593 (VCV003687593.3).
Genomic context (GRCh38, chr18:10,752,713, plus strand): 5'-TCGTAATCACAAAAACGTTGTATGCGATCAGCCAGTCCCAGTAGCGCAGGATGCTCTTGA[T>G]GGGTTTCAACAGCAAATCGCCCCCAAAGAGCAGGAAGTAGAAACAGGCCACCAGGTACCC-3'
Protein context (NP_001365112.1, residues 1354-1374): LFGGDLLLKP[Ile1364Leu]KSILRYWDWL